The following is an entry in ClinVar:

ClinVar aggregate classification (germline): Uncertain significance (1 of 4 stars; one submission).

Conditions:
Cardiovascular phenotype. Identifiers: MedGen CN230736.

Submission:

Ambry Genetics
Classification: Uncertain significance for Cardiovascular phenotype. Last evaluated: 2024-11-05. Review status: criteria provided, single submitter. Criteria: Ambry Variant Classification Scheme 2023. Collection method: clinical testing. Allele origin: germline.
Comment: The p.P2191S variant (also known as c.6571C>T), located in coding exon 18 of the TNXB gene, results from a C to T substitution at nucleotide position 6571. The proline at codon 2191 is replaced by serine, an amino acid with similar properties. This amino acid position is conserved. In addition, this alteration is predicted to be tolerated by in silico analysis. Based on the available evidence, the clinical significance of this variant remains unclear.

NM_001365276.2(TNXB):c.6571C>T (p.Pro2191Ser)

Gene: TNXB (tenascin XB; minus strand). Cytogenetic location: 6p21.33.
Variant type: single nucleotide variant.
Coding change: c.6571C>T on transcript NM_001365276.2 (MANE Select); coding-DNA position 6571, C replaced by T.
Protein change: p.Pro2191Ser; replaces proline 2191 with serine.
Molecular consequence: missense variant.
Genome position (GRCh38, 1-based): chr6:32,065,091, G>A on the plus strand (C>T on the coding strand, the complement: TNXB is on the minus strand). VCF-style: chr6-32065091-G-A. GRCh37 (hg19) VCF-style: chr6-32032868-G-A.
Other names: c.7312C>T, p.Pro2438Ser (NM_001428335.1); c.6571C>T, p.Pro2191Ser (NM_019105.8); short protein forms P2191S, P2438S.
Identifiers: ClinVar variation 3459906 (VCV003459906.1).